The following is an entry in ClinVar:

NM_001364905.1(LRBA):c.8267G>A (p.Ser2756Asn)

Gene: LRBA (LPS responsive beige-like anchor protein; minus strand). Cytogenetic location: 4q31.3.
Variant type: single nucleotide variant.
Coding change: c.8267G>A on transcript NM_001364905.1 (MANE Select); coding-DNA position 8267, G replaced by A.
Protein change: p.Ser2756Asn; replaces serine 2756 with asparagine.
Molecular consequence: missense variant.
Genome position (GRCh38, 1-based): chr4:150,282,499, C>T on the plus strand (G>A on the coding strand, the complement: LRBA is on the minus strand). VCF-style: chr4-150282499-C-T. GRCh37 (hg19) VCF-style: chr4-151203651-C-T.
Other names: c.8264G>A, p.Ser2755Asn (NM_001199282.3); c.8282G>A, p.Ser2761Asn (NM_001367550.1); c.8300G>A, p.Ser2767Asn (NM_006726.5); short protein forms S2755N, S2767N, S2756N, S2761N.
Identifiers: ClinVar variation 1520629 (VCV001520629.6), dbSNP rs1747668514, ClinGen allele CA358439994.

ClinVar aggregate classification (germline): Uncertain significance (1 of 4 stars; one submission).

Conditions:
Combined immunodeficiency due to LRBA deficiency. Also called: Common variable immunodeficiency 8, with autoimmunity. Identifiers: Orphanet 445018, MedGen C3553512, MONDO:0013863, OMIM 614700.

Allele frequency attached by ClinVar (database versions not stated): gnomAD exomes below 0.00001.
gnomAD v4.1: 1 of 1,614,110 alleles (0.000062%); highest among the groups gnomAD compares: South Asian, 0.0011%; no homozygotes.

Submission:

Labcorp Genetics (formerly Invitae), Labcorp
Classification: Uncertain significance for Combined immunodeficiency due to LRBA deficiency. Last evaluated: 2022-06-04. Review status: criteria provided, single submitter. Criteria: Invitae Variant Classification Sherloc (09022015). Collection method: clinical testing. Allele origin: germline.
Comment: This sequence change replaces serine, which is neutral and polar, with asparagine, which is neutral and polar, at codon 2767 of the LRBA protein (p.Ser2767Asn). This variant is not present in population databases (gnomAD no frequency). This variant has not been reported in the literature in individuals affected with LRBA-related conditions. ClinVar contains an entry for this variant (Variation ID: 1520629). Algorithms developed to predict the effect of missense changes on protein structure and function (SIFT, PolyPhen-2, Align-GVGD) all suggest that this variant is likely to be tolerated. In summary, the available evidence is currently insufficient to determine the role of this variant in disease. Therefore, it has been classified as a Variant of Uncertain Significance.